The following is an entry in ClinVar:

ClinVar aggregate classification (germline): Pathogenic (1 of 4 stars; one submission).

Conditions:
Glycogen storage disease type X (GSD10). Also called: PGAMM DEFICIENCY; PHOSPHOGLYCERATE MUTASE, MUSCLE, DEFICIENCY OF; Glycogen storage disease due to phosphoglycerate mutase deficiency; Dimauro disease; GSD X; MYOPATHY DUE TO PHOSPHOGLYCERATE MUTASE DEFICIENCY. Identifiers: Orphanet 97234, MedGen C0268149, MONDO:0009865, OMIM 261670.

Allele frequency attached by ClinVar (database versions not stated): TOPMed below 0.00001; ExAC 0.00001; gnomAD exomes 0.00001.
gnomAD v4.1: 17 of 1,614,054 alleles (0.0011%); highest among the groups gnomAD compares: Non-Finnish European, 0.0014%; no homozygotes.

Submission:

Labcorp Genetics (formerly Invitae), Labcorp
Classification: Pathogenic for Glycogen storage disease type X. Last evaluated: 2020-01-10. Review status: criteria provided, single submitter. Criteria: Invitae Variant Classification Sherloc (09022015). Collection method: clinical testing. Allele origin: germline.
Comment: For these reasons, this variant has been classified as Pathogenic. Loss-of-function variants in PGAM2 are known to be pathogenic (PMID: 8447317, 19273759). This variant has not been reported in the literature in individuals with PGAM2-related conditions. The frequency data for this variant in the population databases is considered unreliable, as metrics indicate poor data quality at this position in the ExAC database. This sequence change creates a premature translational stop signal (p.Gln111*) in the PGAM2 gene. It is expected to result in an absent or disrupted protein product.

Literature cited by the submitters: PubMed 8447317; PubMed 19273759.

NM_000290.4(PGAM2):c.331C>T (p.Gln111Ter)

Genes: PGAM2 (phosphoglycerate mutase 2; minus strand), DBNL (drebrin like; plus strand), LOC129998342 (ATAC-STARR-seq lymphoblastoid active region 25925; plus strand). Cytogenetic location: 7p13.
Variant type: single nucleotide variant.
Coding change: c.331C>T on transcript NM_000290.4 (MANE Select); coding-DNA position 331, C replaced by T.
Protein change: p.Gln111Ter; replaces glutamine 111 with a stop codon.
Molecular consequence: nonsense. On other transcripts: 3 prime UTR variant (6).
Genome position (GRCh38, 1-based): chr7:44,065,199, G>A on the plus strand (C>T on the coding strand, the complement: PGAM2 is on the minus strand). VCF-style: chr7-44065199-G-A. GRCh37 (hg19) VCF-style: chr7-44104798-G-A.
Other names: c.*4283G>A (NM_001014436.3, NM_001122956.2, NM_001284313.2 and 3 more transcripts); short protein forms Q111*.
Identifiers: ClinVar variation 1073237 (VCV001073237.8), dbSNP rs764676548, ClinGen allele CA4236618.